The following is an entry in ClinVar:

NM_000719.7(CACNA1C):c.5174A>C (p.Gln1725Pro)

Genes: CACNA1C (calcium voltage-gated channel subunit alpha1 C; plus strand), CACNA1C-AS1 (CACNA1C antisense RNA 1; minus strand). Cytogenetic location: 12p13.33.
Variant type: single nucleotide variant.
Coding change: c.5174A>C on transcript NM_000719.7 (MANE Select); coding-DNA position 5174, A replaced by C.
Protein change: p.Gln1725Pro; replaces glutamine 1725 with proline.
Molecular consequence: missense variant.
Genome position (GRCh38, 1-based): chr12:2,679,526, A>C. VCF-style: chr12-2679526-A-C. GRCh37 (hg19) VCF-style: chr12-2788692-A-C.
Other names: c.5318A>C, p.Gln1773Pro (NM_001129827.2, NM_199460.4); c.5297A>C, p.Gln1766Pro (NM_001129829.2); c.5174A>C, p.Gln1725Pro (NM_001129830.3, NM_001129840.2, NM_001129841.2 and 4 more transcripts); c.5258A>C, p.Gln1753Pro (NM_001129831.2); c.5234A>C, p.Gln1745Pro (NM_001129832.2); c.5231A>C, p.Gln1744Pro (NM_001129833.2, NM_001129834.2, NM_001129835.2); c.5225A>C, p.Gln1742Pro (NM_001129836.2); c.5198A>C, p.Gln1733Pro (NM_001129837.2, NM_001129838.2); and 3 more; short protein forms Q1714P, Q1722P, Q1725P, Q1731P, Q1733P, Q1742P, Q1744P, Q1745P.
Identifiers: ClinVar variation 1003677 (VCV001003677.9), dbSNP rs1440200184, ClinGen allele CA383378650.

ClinVar aggregate classification (germline): Uncertain significance (1 of 4 stars; one submission).

Conditions:
Long QT syndrome (LQTS). Identifiers: MedGen C0023976, MeSH D008133, MONDO:0002442. Disease mechanism: loss of function. Inheritance: Various modes of inheritance.

Allele frequency attached by ClinVar (database versions not stated): gnomAD exomes below 0.00001.
gnomAD v4.1: 2 of 1,612,654 alleles (0.00012%); highest among the groups gnomAD compares: Non-Finnish European, 0.00017%; no homozygotes.

Submission:

Labcorp Genetics (formerly Invitae), Labcorp
Classification: Uncertain significance for Long QT syndrome. Last evaluated: 2024-08-10. Review status: criteria provided, single submitter. Criteria: Invitae Variant Classification Sherloc (09022015). Collection method: clinical testing. Allele origin: germline.
Comment: This sequence change replaces glutamine, which is neutral and polar, with proline, which is neutral and non-polar, at codon 1725 of the CACNA1C protein (p.Gln1725Pro). This variant is not present in population databases (gnomAD no frequency). This variant has not been reported in the literature in individuals affected with CACNA1C-related conditions. ClinVar contains an entry for this variant (Variation ID: 1003677). Advanced modeling of protein sequence and biophysical properties (such as structural, functional, and spatial information, amino acid conservation, physicochemical variation, residue mobility, and thermodynamic stability) has been performed at Invitae for this missense variant, however the output from this modeling did not meet the statistical confidence thresholds required to predict the impact of this variant on CACNA1C protein function. In summary, the available evidence is currently insufficient to determine the role of this variant in disease. Therefore, it has been classified as a Variant of Uncertain Significance.